The following is an entry in ClinVar:

ClinVar aggregate classification (germline): Pathogenic/Likely pathogenic. Review status: criteria provided, multiple submitters, no conflicts (2 of 4 stars). 2 submissions from 2 submitters: Pathogenic (1); Likely pathogenic (1). Last evaluated 2024-06-14.

Conditions:
Progressive external ophthalmoplegia with mitochondrial DNA deletions, autosomal dominant 1 (PEOA1). Also called: PROGRESSIVE EXTERNAL OPHTHALMOPLEGIA, AUTOSOMAL DOMINANT 1; Autosomal Dominant Progressive External Ophthalmoplegia (adPEO). Identifiers: MedGen C1834846, MONDO:0024528, OMIM 157640.
Progressive sclerosing poliodystrophy (MTDPS4A). Also called: Mitochondrial DNA depletion syndrome 4A (Alpers type); ALPERS PROGRESSIVE INFANTILE POLIODYSTROPHY; NEURONAL DEGENERATION OF CHILDHOOD WITH LIVER DISEASE, PROGRESSIVE; Alpers Syndrome; ALPERS DIFFUSE DEGENERATION OF CEREBRAL GRAY MATTER WITH HEPATIC CIRRHOSIS; Alpers-Huttenlocher Syndrome. Identifiers: Orphanet 726, MedGen C0205710, MONDO:0008758, OMIM 203700.
Mitochondrial DNA depletion syndrome 4b. Also called: Mitochondrial Neurogastrointestinal Encephalopathy Disease, POLG-Related; MNGIE, POLG-RELATED. Identifiers: Orphanet 298, MedGen C3150914, MONDO:0013350, OMIM 613662.
Sensory ataxic neuropathy, dysarthria, and ophthalmoparesis (SANDO). Also called: Sensory ataxic neuropathy-dysarthria-ophthalmoparesis syndrome; Ataxia Neuropathy Spectrum (ANS); Epilepsy, progressive myoclonic, type 5; SENSORY ATAXIC NEUROPATHY WITH MITOCHONDRIAL DNA DELETIONS, AUTOSOMAL RECESSIVE. Identifiers: Orphanet 70595, MedGen C1843851, MONDO:0011835, OMIM 607459.
Progressive external ophthalmoplegia with mitochondrial DNA deletions, autosomal recessive 1 (PEOB1). Also called: Progressive external ophthalmoplegia, autosomal recessive 1; Autosomal Recessive Progressive External Ophthalmoplegia (arPEO). Identifiers: Orphanet 254886, MedGen C4225153, MONDO:0009783, OMIM 258450.

Submissions (2):

Fulgent Genetics
Classification: Likely pathogenic for Progressive external ophthalmoplegia with mitochondrial DNA deletions, autosomal dominant 1; Progressive sclerosing poliodystrophy; Progressive external ophthalmoplegia with mitochondrial DNA deletions, autosomal recessive 1; Sensory ataxic neuropathy, dysarthria, and ophthalmoparesis; Mitochondrial DNA depletion syndrome 4b. Last evaluated: 2024-06-14. Review status: criteria provided, single submitter. Criteria: ACMG Guidelines, 2015. Collection method: clinical testing. Allele origin: germline.

Labcorp Genetics (formerly Invitae), Labcorp
Classification: Pathogenic for Progressive sclerosing poliodystrophy. Last evaluated: 2023-05-15. Review status: criteria provided, single submitter. Criteria: Invitae Variant Classification Sherloc (09022015). Collection method: clinical testing. Allele origin: germline.
Comment: This sequence change creates a premature translational stop signal (p.Phe197Trpfs*67) in the POLG gene. It is expected to result in an absent or disrupted protein product. Loss-of-function variants in POLG are known to be pathogenic (PMID: 18546365). For these reasons, this variant has been classified as Pathogenic. Algorithms developed to predict the effect of sequence changes on RNA splicing suggest that this variant may create or strengthen a splice site. This variant has not been reported in the literature in individuals affected with POLG-related conditions. This variant is not present in population databases (gnomAD no frequency).

Literature cited by the submitters: PubMed 18546365 (cited by Labcorp Genetics (formerly Invitae), Labcorp).

NM_002693.3(POLG):c.590_596del (p.Phe197fs)

Genes: POLGARF (POLG alternative reading frame; minus strand), POLG (DNA polymerase gamma, catalytic subunit; minus strand). Cytogenetic location: 15q26.1.
Variant type: Deletion.
Coding change: c.590_596del on transcript NM_002693.3 (MANE Select); coding-DNA positions 590 to 596, 7 bases deleted (TCGACGT; older notation c.590_596delTCGACGT).
Protein change: p.Phe197fs; shifts the reading frame from phenylalanine 197.
Molecular consequence: frameshift variant.
Genome position (GRCh38, 1-based): chr15:89,333,159-89,333,165, ACGTCGA deleted on the plus strand (TCGACGT on the coding strand, the reverse complement: POLG is on the minus strand); deleting any 7 consecutive bases within chr15:89,333,159-89,333,167 gives the same sequence; the c. name uses the placement nearest the transcript's 3' end. VCF-style (leftmost placement, unchanged base first): chr15-89333158-CACGTCGA-C. GRCh37 (hg19) VCF-style: chr15-89876389-CACGTCGA-C.
Other names: c.590_596del, p.Phe197fs (NM_001126131.2); short protein forms F197fs.
Identifiers: ClinVar variation 2864411 (VCV002864411.4), dbSNP rs2509274839, ClinGen allele CA2739269695.
Genomic context (GRCh38, chr15:89,333,158, plus strand): 5'-GGCCGAGGGGGATATGGCCACCGCCAATGTGGGGCAAGTTCCCTCTGCCAAGCAGACCTC[CACGTCGA>C]ACACCAGGGCCCGCTCCTCGGGGATGGCCACGGGTACGGCCTCCCCCTCGGGGCCGTACC-3'